The following is an entry in ClinVar:

ClinVar aggregate classification (germline): Pathogenic (1 of 4 stars; one submission).

Submission:

Labcorp Genetics (formerly Invitae), Labcorp
Classification: Pathogenic. Last evaluated: 2018-08-13. Review status: criteria provided, single submitter. Criteria: Invitae Variant Classification Sherloc (09022015). Collection method: clinical testing. Allele origin: germline.
Comment: For these reasons, this variant has been classified as Pathogenic. Loss-of-function variants in TNFAIP3 are known to be pathogenic (PMID: 26642243). This variant has not been reported in the literature in individuals with TNFAIP3-related disease. This variant is not present in population databases (ExAC no frequency). This sequence change creates a premature translational stop signal (p.Arg364Lysfs*25) in the TNFAIP3 gene. It is expected to result in an absent or disrupted protein product.

Literature cited by the submitters: PubMed 26642243.

NM_001270508.2(TNFAIP3):c.1091_1094delinsAGGAA (p.Arg364fs)

Gene: TNFAIP3 (TNF alpha induced protein 3; plus strand). Cytogenetic location: 6q23.3.
Variant type: Indel.
Coding change: c.1091_1094delinsAGGAA on transcript NM_001270508.2 (MANE Select); coding-DNA positions 1091 to 1094, GGAG replaced by AGGAA.
Protein change: p.Arg364fs; shifts the reading frame from arginine 364.
Molecular consequence: frameshift variant.
Genome position (GRCh38, 1-based): chr6:137,878,536-137,878,539, GGAG replaced by AGGAA. VCF-style: chr6-137878536-GGAG-AGGAA. GRCh37 (hg19) VCF-style: chr6-138199673-GGAG-AGGAA.
Other names: c.1091_1094delinsAGGAA, p.Arg364fs (NM_001270507.2, NM_006290.4); short protein forms R364fs.
Identifiers: ClinVar variation 648194 (VCV000648194.5), dbSNP rs1582892979, ClinGen allele CA915944387.